The following is an entry in ClinVar:

NM_003151.4(STAT4):c.931C>A (p.Leu311Ile)

Gene: STAT4 (signal transducer and activator of transcription 4; minus strand). Cytogenetic location: 2q32.2.
Variant type: single nucleotide variant.
Coding change: c.931C>A on transcript NM_003151.4 (MANE Select); coding-DNA position 931, C replaced by A.
Protein change: p.Leu311Ile; replaces leucine 311 with isoleucine.
Molecular consequence: missense variant.
Genome position (GRCh38, 1-based): chr2:191,062,772, G>T on the plus strand (C>A on the coding strand, the complement: STAT4 is on the minus strand). VCF-style: chr2-191062772-G-T. GRCh37 (hg19) VCF-style: chr2-191927498-G-T.
Other names: c.931C>A, p.Leu311Ile (NM_001243835.2); short protein forms L311I.
Identifiers: ClinVar variation 3642630 (VCV003642630.2).

ClinVar aggregate classification (germline): Uncertain significance (1 of 4 stars; one submission).

gnomAD v4.1: 1 of 1,613,660 alleles (0.000062%); highest among the groups gnomAD compares: Non-Finnish European, 0.000085%; no homozygotes.

Submission:

Labcorp Genetics (formerly Invitae), Labcorp
Classification: Uncertain significance. Last evaluated: 2024-02-22. Review status: criteria provided, single submitter. Criteria: Invitae Variant Classification Sherloc (09022015). Collection method: clinical testing. Allele origin: germline.
Comment: This sequence change replaces leucine, which is neutral and non-polar, with isoleucine, which is neutral and non-polar, at codon 311 of the STAT4 protein (p.Leu311Ile). This variant is not present in population databases (gnomAD no frequency). This variant has not been reported in the literature in individuals affected with STAT4-related conditions. Advanced modeling of protein sequence and biophysical properties (such as structural, functional, and spatial information, amino acid conservation, physicochemical variation, residue mobility, and thermodynamic stability) performed at Invitae indicates that this missense variant is not expected to disrupt STAT4 protein function with a negative predictive value of 80%. In summary, the available evidence is currently insufficient to determine the role of this variant in disease. Therefore, it has been classified as a Variant of Uncertain Significance.